The following is an entry in ClinVar:

NM_004429.5(EFNB1):c.39del (p.Val14fs)

Gene: EFNB1 (ephrin B1; plus strand). Cytogenetic location: Xq13.1.
Variant type: Deletion.
Coding change: c.39del on transcript NM_004429.5 (MANE Select); coding-DNA position 39, one base deleted (T; older notation c.39delT).
Protein change: p.Val14fs; shifts the reading frame from valine 14.
Molecular consequence: frameshift variant.
Genome position (GRCh38, 1-based): chrX:68,829,815, T deleted; the last of 2 consecutive T bases (chrX:68,829,814-68,829,815); deleting either gives the same sequence. VCF-style (leftmost placement, unchanged base first): chrX-68829813-CT-C. GRCh37 (hg19) VCF-style: chrX-68049656-CT-C.
Other names: short protein forms V14fs.
Identifiers: ClinVar variation 4731619 (VCV004731619.1).

ClinVar aggregate classification (germline): Pathogenic (1 of 4 stars; one submission).

Submission:

Labcorp Genetics (formerly Invitae), Labcorp
Classification: Pathogenic. Last evaluated: 2025-11-20. Review status: criteria provided, single submitter. Criteria: Invitae Variant Classification Sherloc (09022015). Collection method: clinical testing. Allele origin: germline.
Comment: This sequence change creates a premature translational stop signal (p.Val14Trpfs*32) in the EFNB1 gene. It is expected to result in an absent or disrupted protein product. Loss-of-function variants in EFNB1 are known to be pathogenic (PMID: 15959873, 16685650). This variant is not present in population databases (gnomAD no frequency). This variant has not been reported in the literature in individuals affected with EFNB1-related conditions. For these reasons, this variant has been classified as Pathogenic.

Literature cited by the submitters: PubMed 15959873; PubMed 16685650.